The following is an entry in ClinVar:

ClinVar aggregate classification (germline): Uncertain significance. Review status: criteria provided, multiple submitters, no conflicts (2 of 4 stars). 2 submissions from 2 submitters: Uncertain significance (2). Last evaluated 2025-12-16.

Allele frequency attached by ClinVar (database versions not stated): TOPMed below 0.00001; ExAC 0.00001.
gnomAD v4.1: 19 of 1,614,218 alleles (0.0012%); highest among the groups gnomAD compares: South Asian, 0.0044%; no homozygotes.

Submissions (2):

Ambry Genetics
Classification: Uncertain significance. Last evaluated: 2025-12-16. Review status: criteria provided, single submitter. Criteria: Ambry Variant Classification Scheme 2023. Collection method: clinical testing. Allele origin: germline.

Labcorp Genetics (formerly Invitae), Labcorp
Classification: Uncertain significance. Last evaluated: 2023-08-11. Review status: criteria provided, single submitter. Criteria: Invitae Variant Classification Sherloc (09022015). Collection method: clinical testing. Allele origin: germline.
Comment: This variant is present in population databases (rs780520620, gnomAD 0.002%). This sequence change replaces methionine, which is neutral and non-polar, with valine, which is neutral and non-polar, at codon 539 of the CEP97 protein (p.Met539Val). This variant has not been reported in the literature in individuals affected with CEP97-related conditions. Advanced modeling of protein sequence and biophysical properties (such as structural, functional, and spatial information, amino acid conservation, physicochemical variation, residue mobility, and thermodynamic stability) performed at Invitae indicates that this missense variant is not expected to disrupt CEP97 protein function. In summary, the available evidence is currently insufficient to determine the role of this variant in disease. Therefore, it has been classified as a Variant of Uncertain Significance.

NM_024548.4(CEP97):c.1615A>G (p.Met539Val)

Gene: CEP97 (centrosomal protein 97; plus strand). Cytogenetic location: 3q12.3.
Variant type: single nucleotide variant.
Coding change: c.1615A>G on transcript NM_024548.4 (MANE Select); coding-DNA position 1615, A replaced by G.
Protein change: p.Met539Val; replaces methionine 539 with valine.
Molecular consequence: missense variant.
Genome position (GRCh38, 1-based): chr3:101,758,221, A>G. VCF-style: chr3-101758221-A-G. GRCh37 (hg19) VCF-style: chr3-101477065-A-G.
Other names: c.1615A>G (NM_024548.2); c.1438A>G, p.Met480Val (NM_001303401.2); c.1513A>G, p.Met505Val (NM_001410784.1); c.1336A>G, p.Met446Val (NM_001410785.1); short protein forms M539V, M446V, M480V, M505V.
Identifiers: ClinVar variation 2907066 (VCV002907066.4), dbSNP rs780520620, ClinGen allele CA2522151.